The following is an entry in ClinVar:

ClinVar aggregate classification (germline): Uncertain significance (1 of 4 stars; one submission).

Conditions:
Cardiovascular phenotype. Identifiers: MedGen CN230736.

Submission:

Ambry Genetics
Classification: Uncertain significance for Cardiovascular phenotype. Last evaluated: 2026-06-15. Review status: criteria provided, single submitter. Criteria: Ambry Variant Classification Scheme 2023. Collection method: clinical testing. Allele origin: germline.
Comment: The c.3321_3328delCTCCAGGT variant, located in coding exon 12 of the RBM20 gene, results from a deletion of 8 nucleotides at nucleotide positions 3321 to 3328, causing a translational frameshift with a predicted alternate stop codon (p.N1107Kfs*16). This variant is expected to result in protein truncation or nonsense-mediated mRNA decay. However, loss of function has not been established as a mechanism of disease. Based on the available evidence, the clinical significance of this variant remains unclear.

NM_001134363.3(RBM20):c.3321_3328del (p.Asn1107fs)

Gene: RBM20 (RNA binding motif protein 20; plus strand). Cytogenetic location: 10q25.2.
Variant type: Deletion.
Coding change: c.3321_3328del on transcript NM_001134363.3 (MANE Select); coding-DNA positions 3321 to 3328, 8 bases deleted (CTCCAGGT; older notation c.3321_3328delCTCCAGGT).
Protein change: p.Asn1107fs; shifts the reading frame from asparagine 1107.
Molecular consequence: frameshift variant.
Genome position (GRCh38, 1-based): chr10:110,823,484-110,823,491, CTCCAGGT deleted. VCF-style (leftmost placement, unchanged base first): chr10-110823483-ACTCCAGGT-A. GRCh37 (hg19) VCF-style: chr10-112583241-ACTCCAGGT-A.
Other names: short protein forms N1107fs.
Identifiers: ClinVar variation 5028010 (VCV005028010.1).